The following is an entry in ClinVar:

NM_001854.4(COL11A1):c.3873A>C (p.Gly1291=)

Gene: COL11A1 (collagen type XI alpha 1 chain; minus strand). Cytogenetic location: 1p21.1.
Variant type: single nucleotide variant.
Coding change: c.3873A>C on transcript NM_001854.4 (MANE Select); coding-DNA position 3873, A replaced by C.
Protein change: p.Gly1291=; no amino-acid change (glycine 1291 retained).
Molecular consequence: synonymous variant. On other transcripts: non-coding transcript variant (1).
Genome position (GRCh38, 1-based): chr1:102,914,755, T>G on the plus strand (A>C on the coding strand, the complement: COL11A1 is on the minus strand). VCF-style: chr1-102914755-T-G. GRCh37 (hg19) VCF-style: chr1-103380311-T-G.
Other names: c.3756A>C, p.Gly1252= (NM_001190709.2); c.3909A>C, p.Gly1303= (NM_080629.3); c.3525A>C, p.Gly1175= (NM_080630.4).
Identifiers: ClinVar variation 672677 (VCV000672677.31), dbSNP rs149367044, ClinGen allele CA973787.
Genomic context (GRCh38, chr1:102,914,755, plus strand): 5'-CTCACTTACCGGGTTACCCTTAGGGCCATCATCACCTGGTGGCCCCTTGGCACCTGGAGG[T>G]CCAGCAGCTCCAGGTGGACCAGCTTCCCCTTTCTCTCCTCTTTCTCCTTTGGGACCCTAA-3'
Protein context (NP_001845.3, residues 1281-1301): KGEAGPPGAA[Gly1291=]PPGAKGPPGD

ClinVar aggregate classification (germline): Benign/Likely benign. Review status: criteria provided, multiple submitters, no conflicts (2 of 4 stars). 8 submissions from 7 submitters: Benign (2); Likely benign (6). Last evaluated 2026-05-11.

Conditions:
Fibrochondrogenesis 1 (FBCG1). Identifiers: Orphanet 2021, MedGen C3278138, MONDO:0009226, OMIM 228520.
Stickler syndrome type 2 (STL2). Also called: STICKLER SYNDROME, BEADED VITREOUS TYPE; STICKLER SYNDROME, VITREOUS TYPE 2; COL11A1-Related Stickler Syndrome; STICKLER SYNDROME, TYPE II. Identifiers: Orphanet 828, Orphanet 90654, MedGen C1858084, MONDO:0011493, OMIM 604841.

Allele frequency attached by ClinVar (database versions not stated): gnomAD exomes 0.00068; ExAC 0.00085; gnomAD 0.00249 and 0.00257; TOPMed 0.00289; ESP Exome Variant Server 0.00331; 1000 Genomes Project 30x 0.00406; 1000 Genomes Project 0.00479.
gnomAD v4.1: 757 of 1,612,804 alleles (0.047%); highest among the groups gnomAD compares: African/African-American, 0.93%; 2 homozygotes.

Submissions (8):

Women's Health and Genetics/Laboratory Corporation of America, LabCorp
Classification: Likely benign. Last evaluated: 2026-05-11. Review status: criteria provided, single submitter. Criteria: LabCorp Variant Classification Summary - May 2015. Collection method: clinical testing. Allele origin: germline.

Labcorp Genetics (formerly Invitae), Labcorp
Classification: Benign. Last evaluated: 2026-01-18. Review status: criteria provided, single submitter. Criteria: Invitae Variant Classification Sherloc (09022015). Collection method: clinical testing. Allele origin: germline.

CeGaT Center for Human Genetics Tuebingen
Classification: Likely benign. Last evaluated: 2024-12-01. Review status: criteria provided, single submitter. Criteria: CeGaT Center For Human Genetics Tuebingen Variant Classification Criteria Version 2. Collection method: clinical testing. Allele origin: germline. Affected: yes. Observed: 2 variant alleles.
Comment: COL11A1: BP4, BP7

Blueprint Genetics
Classification: Likely benign. Last evaluated: 2024-03-11. Review status: criteria provided, single submitter. Criteria: ACMG Guidelines, 2015. Collection method: clinical testing. Allele origin: germline.

GeneDx
Classification: Benign. Last evaluated: 2018-05-09. Review status: criteria provided, single submitter. Criteria: GeneDx Variant Classification (06012015). Collection method: clinical testing. Allele origin: germline. Affected: yes.
Comment: This variant is considered likely benign or benign based on one or more of the following criteria: it is a conservative change, it occurs at a poorly conserved position in the protein, it is predicted to be benign by multiple in silico algorithms, and/or has population frequency not consistent with disease.

Illumina Laboratory Services, Illumina
Classification: Likely benign for Fibrochondrogenesis 1. Last evaluated: 2018-01-13. Review status: criteria provided, single submitter. Criteria: ICSL Variant Classification Criteria 13 December 2019. Collection method: clinical testing. Allele origin: germline.
Comment: This variant was observed in the ICSL laboratory as part of a predisposition screen in an ostensibly healthy population. It had not been previously curated by ICSL or reported in the Human Gene Mutation Database (HGMD: prior to June 1st, 2018), and was therefore a candidate for classification through an automated scoring system. Utilizing variant allele frequency, disease prevalence and penetrance estimates, and inheritance mode, an automated score was calculated to assess if this variant is too frequent to cause the disease. Based on the score and internal cut-off values, a variant classified as likely benign is not then subjected to further curation. The score for this variant resulted in a classification of likely benign for this disease.

Illumina Laboratory Services, Illumina
Classification: Likely benign for Stickler syndrome type 2. Last evaluated: 2018-01-13. Review status: criteria provided, single submitter. Criteria: ICSL Variant Classification Criteria 13 December 2019. Collection method: clinical testing. Allele origin: germline.
Comment: the same text as in the submission from Illumina Laboratory Services, Illumina above.

Breakthrough Genomics
Classification: Likely benign. Review status: criteria provided, single submitter. Criteria: ACMG Guidelines, 2015. Collection method: not provided. Allele origin: germline. Inheritance: Autosomal recessive inheritance. Affected: yes.